The following is an entry in ClinVar:

NM_206933.2(USH2A):c.11048-?_11711+?dup

Gene: USH2A (usherin; minus strand). Cytogenetic location: 1q41.
Variant type: Duplication.
Coding change: c.11048-?_11711+?dup on transcript NM_206933.2.
Identifiers: ClinVar variation 503553 (VCV000503553.5).

ClinVar aggregate classification (germline): Pathogenic (1 of 4 stars; one submission).

Conditions:
Rare genetic deafness. Identifiers: Orphanet 96210, MedGen C5680250.

Submission:

Laboratory for Molecular Medicine, Mass General Brigham Personalized Medicine
Classification: Pathogenic for Rare genetic deafness. Last evaluated: 2017-04-11. Review status: criteria provided, single submitter. Criteria: LMM Criteria. Collection method: clinical testing. Allele origin: germline. Inheritance: Autosomal recessive inheritance. Observed: 2 variant alleles.
Comment: It has also be en reported in 1/32850 European chromosomes by the Exome Aggregation Consortium (ExAC). Although this variant has been seen in t he general population, its frequency is low enough to be consistent with a reces sive carrier frequency. Manual breakpoint analysis using NGS data reveals that t he variant is a tandem duplication of exons 57-60, and is predicted to cause a f rameshift leading to a truncated or absent protein. In summary, this variant mee ts criteria to be classified as pathogenic for autosomal recessive Usher syndrom e based on the predicted impact to the protein.

Literature cited by the submitters: PubMed 25649381.